The following is an entry in ClinVar:

NM_001017989.3(OPA3):c.218A>T (p.Glu73Val)

Genes: OPA3 (outer mitochondrial membrane lipid metabolism regulator OPA3; minus strand), OPA3-RTN2 (OPA3-RTN2 readthrough; minus strand). Cytogenetic location: 19q13.32.
Variant type: single nucleotide variant.
Coding change: c.218A>T on transcript NM_001017989.3; coding-DNA position 218, A replaced by T.
Protein change: p.Glu73Val; replaces glutamic acid 73 with valine.
Molecular consequence: missense variant.
Genome position (GRCh38, 1-based): chr19:45,529,381, T>A on the plus strand (A>T on the coding strand, the complement: OPA3 is on the minus strand). VCF-style: chr19-45529381-T-A. GRCh37 (hg19) VCF-style: chr19-46032639-T-A.
Other names: short protein forms E73V.
Identifiers: ClinVar variation 4886110 (VCV004886110.2).

ClinVar aggregate classification (germline): Uncertain significance (1 of 4 stars; one submission).

Submission:

Dasa
Classification: Uncertain significance. Last evaluated: 2025-09-24. Review status: criteria provided, single submitter. Criteria: DASA Assertion Criteria. Collection method: clinical testing. Allele origin: germline.
Comment: NM_001017989.3(OPA3):c.218A>T (p.Glu73Val) is a missense variant that results in the substitution of glutamic acid with valine. This variant is absent from population databases. Computational prediction algorithms are consistent with a deleterious effect. The currently available literature and clinical evidence are not sufficient to establish a definitive association between this variant and the reported condition. Therefore, this variant is classified as a variant of uncertain significance.